The following is an entry in ClinVar:

ClinVar aggregate classification (germline): Likely benign (1 of 4 stars; one submission).

Allele frequency attached by ClinVar (database versions not stated): gnomAD 0.00005; gnomAD exomes 0.00006; TOPMed 0.00013; ExAC 0.00015.
gnomAD v4.1: 78 of 1,209,676 alleles (0.0064%); highest among the groups gnomAD compares: East Asian, 0.17%; 1 homozygote.

Submission:

CeGaT Center for Human Genetics Tuebingen
Classification: Likely benign. Last evaluated: 2023-03-01. Review status: criteria provided, single submitter. Criteria: CeGaT Center For Human Genetics Tuebingen Variant Classification Criteria Version 2. Collection method: clinical testing. Allele origin: germline. Affected: yes. Observed: 1 variant allele.
Comment: HUWE1: BP4, BP7, BS2

NM_031407.7(HUWE1):c.8865A>G (p.Glu2955=)

Gene: HUWE1 (HECT, UBA and WWE domain containing E3 ubiquitin protein ligase 1; minus strand). Cytogenetic location: Xp11.22.
Variant type: single nucleotide variant.
Coding change: c.8865A>G on transcript NM_031407.7 (MANE Select); coding-DNA position 8865, A replaced by G.
Protein change: p.Glu2955=; no amino-acid change (glutamic acid 2955 retained).
Molecular consequence: synonymous variant.
Genome position (GRCh38, 1-based): chrX:53,552,327, T>C on the plus strand (A>G on the coding strand, the complement: HUWE1 is on the minus strand). VCF-style: chrX-53552327-T-C. GRCh37 (hg19) VCF-style: chrX-53579288-T-C.
Identifiers: ClinVar variation 2660618 (VCV002660618.24), dbSNP rs200072128, ClinGen allele CA10421740.